The following is an entry in ClinVar:

NM_004104.5(FASN):c.5440G>A (p.Val1814Met)

Gene: FASN (fatty acid synthase; minus strand). Cytogenetic location: 17q25.3.
Variant type: single nucleotide variant.
Coding change: c.5440G>A on transcript NM_004104.5 (MANE Select); coding-DNA position 5440, G replaced by A.
Protein change: p.Val1814Met; replaces valine 1814 with methionine.
Molecular consequence: missense variant.
Genome position (GRCh38, 1-based): chr17:82,083,327, C>T on the plus strand (G>A on the coding strand, the complement: FASN is on the minus strand). VCF-style: chr17-82083327-C-T. GRCh37 (hg19) VCF-style: chr17-80041203-C-T.
Other names: short protein forms V1814M.
Identifiers: ClinVar variation 942609 (VCV000942609.9), dbSNP rs764074549, ClinGen allele CA8851687.

ClinVar aggregate classification (germline): Uncertain significance (1 of 4 stars; one submission).

Conditions:
Epileptic encephalopathy. Identifiers: MedGen C0543888, HP:0200134.

Allele frequency attached by ClinVar (database versions not stated): TOPMed 0.00001; ExAC 0.00003; gnomAD exomes 0.00004.
gnomAD v4.1: 26 of 1,612,748 alleles (0.0016%); highest among the groups gnomAD compares: Admixed American, 0.01%; no homozygotes.

Submission:

Labcorp Genetics (formerly Invitae), Labcorp
Classification: Uncertain significance for Epileptic encephalopathy. Last evaluated: 2024-12-02. Review status: criteria provided, single submitter. Criteria: Invitae Variant Classification Sherloc (09022015). Collection method: clinical testing. Allele origin: germline.
Comment: This sequence change replaces valine, which is neutral and non-polar, with methionine, which is neutral and non-polar, at codon 1814 of the FASN protein (p.Val1814Met). This variant is present in population databases (rs764074549, gnomAD 0.02%). This variant has not been reported in the literature in individuals affected with FASN-related conditions. ClinVar contains an entry for this variant (Variation ID: 942609). An algorithm developed to predict the effect of missense changes on protein structure and function (PolyPhen-2) suggests that this variant is likely to be tolerated. In summary, the available evidence is currently insufficient to determine the role of this variant in disease. Therefore, it has been classified as a Variant of Uncertain Significance.